The following is an entry in ClinVar:

ClinVar aggregate classification (germline): Likely benign. Review status: criteria provided, multiple submitters, no conflicts (2 of 4 stars). 6 submissions from 6 submitters: Likely benign (6). Last evaluated 2026-01-19.

Conditions:
ADGRV1-related disorder. Also called: ADGRV1-related condition; ADGRV1-related disorders.

Allele frequency attached by ClinVar (database versions not stated): gnomAD 0.00003; TOPMed 0.00012; gnomAD exomes 0.00014 and 0.00037; 1000 Genomes Project 30x 0.00016; 1000 Genomes Project 0.00020; ExAC 0.00043.
gnomAD v4.1: 204 of 1,593,016 alleles (0.013%); highest among the groups gnomAD compares: Admixed American, 0.14%; no homozygotes.

Submissions (6):

Labcorp Genetics (formerly Invitae), Labcorp
Classification: Likely benign. Last evaluated: 2026-01-19. Review status: criteria provided, single submitter. Criteria: Invitae Variant Classification Sherloc (09022015). Collection method: clinical testing. Allele origin: germline.

GeneDx
Classification: Likely benign. Last evaluated: 2025-02-11. Review status: criteria provided, single submitter. Criteria: GeneDx Variant Classification Process June 2021. Collection method: clinical testing. Allele origin: germline. Affected: yes.
Comment: See Variant Classification Assertion Criteria.

Athena Diagnostics
Classification: Likely benign. Last evaluated: 2024-11-25. Review status: criteria provided, single submitter. Criteria: Athena Diagnostics Criteria. Collection method: clinical testing. Allele origin: unknown.

PreventionGenetics, part of Exact Sciences
Classification: Likely benign for ADGRV1-related condition. Last evaluated: 2024-11-17. Review status: criteria provided, single submitter. Criteria: ACMG Guidelines, 2015. Collection method: clinical testing. Allele origin: germline.
Comment: This variant is classified as likely benign based on ACMG/AMP sequence variant interpretation guidelines (Richards et al. 2015 PMID: 25741868, with internal and published modifications).

Blueprint Genetics
Classification: Likely benign. Last evaluated: 2024-09-15. Review status: criteria provided, single submitter. Criteria: ACMG Guidelines, 2015. Collection method: clinical testing. Allele origin: germline.

Laboratory for Molecular Medicine, Mass General Brigham Personalized Medicine
Classification: Likely benign. Last evaluated: 2016-05-11. Review status: criteria provided, single submitter. Criteria: LMM Criteria. Collection method: clinical testing. Allele origin: germline. Observed: 1 variant allele.
Comment: p.Asp4050Asn in exon 50 of GPR98: This variant is not expected to have clinical significance because it has been identified in 0.4% (43/10654) of Latino chromos omes by the Exome Aggregation Consortium (ExAC; dbSNP rs576743510).

NM_032119.4(ADGRV1):c.12148G>A (p.Asp4050Asn)

Gene: ADGRV1 (adhesion G protein-coupled receptor V1; plus strand). Cytogenetic location: 5q14.3.
Variant type: single nucleotide variant.
Coding change: c.12148G>A on transcript NM_032119.4 (MANE Select); coding-DNA position 12148, G replaced by A.
Protein change: p.Asp4050Asn; replaces aspartic acid 4050 with asparagine.
Molecular consequence: missense variant. On other transcripts: non-coding transcript variant (1).
Genome position (GRCh38, 1-based): chr5:90,763,332, G>A. VCF-style: chr5-90763332-G-A. GRCh37 (hg19) VCF-style: chr5-90059149-G-A.
Other names: short protein forms D4050N.
Identifiers: ClinVar variation 504943 (VCV000504943.21), dbSNP rs576743510, ClinGen allele CA3341162.
Genomic context (GRCh38, chr5:90,763,332, plus strand): 5'-TTTGTTTGGCCTTACTGAATTTTCTTCTTTCAGGTAATGATTGATGAATCCCTTTCATCC[G>A]ATGACCCTGATTCATATGTGACATTGACGGTTGTCCGGTCCCCAGGAGGAAAAGGAACCG-3'
Protein context (NP_115495.3, residues 4040-4060): TVMIDESLSS[Asp4050Asn]DPDSYVTLTV